The following is an entry in ClinVar:

NM_000218.3(KCNQ1):c.2021A>T (p.Glu674Val)

Genes: KCNQ1 (potassium voltage-gated channel subfamily Q member 1; plus strand), KCNQ1-AS1 (KCNQ1 antisense RNA 1; minus strand). Cytogenetic location: 11p15.4.
Variant type: single nucleotide variant.
Coding change: c.2021A>T on transcript NM_000218.3 (MANE Select); coding-DNA position 2021, A replaced by T.
Protein change: p.Glu674Val; replaces glutamic acid 674 with valine.
Molecular consequence: missense variant.
Genome position (GRCh38, 1-based): chr11:2,847,993, A>T. VCF-style: chr11-2847993-A-T. GRCh37 (hg19) VCF-style: chr11-2869223-A-T.
Other names: c.1925A>T, p.Glu642Val (NM_001406836.1); c.1751A>T, p.Glu584Val (NM_001406837.1); c.1481A>T, p.Glu494Val (NM_001406838.1); c.533A>T, p.Glu178Val (NM_001406839.1); c.1640A>T, p.Glu547Val (NM_181798.2); short protein forms E494V, E547V, E584V, E178V, E642V, E674V.
Identifiers: ClinVar variation 2814078 (VCV002814078.3), dbSNP rs2494328003, ClinGen allele CA379140637.

ClinVar aggregate classification (germline): Uncertain significance (1 of 4 stars; one submission).

Conditions:
Long QT syndrome (LQTS). Identifiers: MedGen C0023976, MeSH D008133, MONDO:0002442. Disease mechanism: loss of function. Inheritance: Various modes of inheritance.

Submission:

Labcorp Genetics (formerly Invitae), Labcorp
Classification: Uncertain significance for Long QT syndrome. Last evaluated: 2022-11-14. Review status: criteria provided, single submitter. Criteria: Invitae Variant Classification Sherloc (09022015). Collection method: clinical testing. Allele origin: germline.
Comment: This sequence change replaces glutamic acid, which is acidic and polar, with valine, which is neutral and non-polar, at codon 674 of the KCNQ1 protein (p.Glu674Val). This variant is not present in population databases (gnomAD no frequency). This variant has not been reported in the literature in individuals affected with KCNQ1-related conditions. Advanced modeling of protein sequence and biophysical properties (such as structural, functional, and spatial information, amino acid conservation, physicochemical variation, residue mobility, and thermodynamic stability) performed at Invitae indicates that this missense variant is expected to disrupt KCNQ1 protein function. In summary, the available evidence is currently insufficient to determine the role of this variant in disease. Therefore, it has been classified as a Variant of Uncertain Significance.